The following is an entry in ClinVar:

ClinVar aggregate classification (germline): Uncertain significance (1 of 4 stars; one submission).

Allele frequency attached by ClinVar (database versions not stated): gnomAD exomes 0.00002; TOPMed 0.00002; gnomAD 0.00001.
gnomAD v4.1: 28 of 1,602,160 alleles (0.0017%); highest among the groups gnomAD compares: Non-Finnish European, 0.0024%; no homozygotes.

Submission:

Labcorp Genetics (formerly Invitae), Labcorp
Classification: Uncertain significance. Last evaluated: 2025-08-11. Review status: criteria provided, single submitter. Criteria: Invitae Variant Classification Sherloc (09022015). Collection method: clinical testing. Allele origin: germline.
Comment: This sequence change replaces alanine, which is neutral and non-polar, with glycine, which is neutral and non-polar, at codon 24 of the HNRNPK protein (p.Ala24Gly). This variant is present in population databases (rs569208940, gnomAD 0.005%). This variant has not been reported in the literature in individuals affected with HNRNPK-related conditions. ClinVar contains an entry for this variant (Variation ID: 2969835). An algorithm developed to predict the effect of missense changes on protein structure and function (PolyPhen-2) suggests that this variant is likely to be disruptive. In summary, the available evidence is currently insufficient to determine the role of this variant in disease. Therefore, it has been classified as a Variant of Uncertain Significance.

NM_031263.4(HNRNPK):c.71C>G (p.Ala24Gly)

Gene: HNRNPK (heterogeneous nuclear ribonucleoprotein K; minus strand). Cytogenetic location: 9q21.32.
Variant type: single nucleotide variant.
Coding change: c.71C>G on transcript NM_031263.4 (MANE Select); coding-DNA position 71, C replaced by G.
Protein change: p.Ala24Gly; replaces alanine 24 with glycine.
Molecular consequence: missense variant.
Genome position (GRCh38, 1-based): chr9:83,977,774, G>C on the plus strand (C>G on the coding strand, the complement: HNRNPK is on the minus strand). VCF-style: chr9-83977774-G-C. GRCh37 (hg19) VCF-style: chr9-86592689-G-C.
Other names: c.71C>G, p.Ala24Gly (NM_001318186.2, NM_001318187.2, NM_001318188.2 and 2 more transcripts); short protein forms A24G.
Identifiers: ClinVar variation 2969835 (VCV002969835.3), dbSNP rs569208940, ClinGen allele CA195468421.